The following is an entry in ClinVar:

NM_000091.5(COL4A3):c.365T>C (p.Val122Ala)

Genes: MFF-DT (MFF divergent transcript; minus strand), COL4A3 (collagen type IV alpha 3 chain; plus strand). Cytogenetic location: 2q36.3.
Variant type: single nucleotide variant.
Coding change: c.365T>C on transcript NM_000091.5 (MANE Select); coding-DNA position 365, T replaced by C.
Protein change: p.Val122Ala; replaces valine 122 with alanine.
Molecular consequence: missense variant.
Genome position (GRCh38, 1-based): chr2:227,245,994, T>C. VCF-style: chr2-227245994-T-C. GRCh37 (hg19) VCF-style: chr2-228110710-T-C.
Other names: short protein forms V122A.
Identifiers: ClinVar variation 801903 (VCV000801903.3), dbSNP rs766935732, ClinGen allele CA66615672.

ClinVar aggregate classification (germline): Uncertain significance. Review status: criteria provided, multiple submitters, no conflicts (2 of 4 stars). 2 submissions from 2 submitters: Uncertain significance (2). Last evaluated 2025-01-21.

Conditions:
Autosomal recessive Alport syndrome (ATS2). Also called: COL4A3-Related Nephropathy; COL4A4 Alport Syndrome and Thin Basement Membrane Nephropathy; ALPORT SYNDROME 2, AUTOSOMAL RECESSIVE; Alport syndrome type 2. Identifiers: Orphanet 63, Orphanet 88919, MedGen C4746745, MONDO:0008762, OMIM 203780.

Allele frequency attached by ClinVar (database versions not stated): gnomAD exomes below 0.00001; TOPMed below 0.00001.

Submissions (2):

Labcorp Genetics (formerly Invitae), Labcorp
Classification: Uncertain significance. Last evaluated: 2025-01-21. Review status: criteria provided, single submitter. Criteria: Invitae Variant Classification Sherloc (09022015). Collection method: clinical testing. Allele origin: germline.
Comment: This sequence change replaces valine, which is neutral and non-polar, with alanine, which is neutral and non-polar, at codon 122 of the COL4A3 protein (p.Val122Ala). This variant is not present in population databases (gnomAD no frequency). This variant has not been reported in the literature in individuals affected with COL4A3-related conditions. ClinVar contains an entry for this variant (Variation ID: 801903). Invitae Evidence Modeling of protein sequence and biophysical properties (such as structural, functional, and spatial information, amino acid conservation, physicochemical variation, residue mobility, and thermodynamic stability) indicates that this missense variant is not expected to disrupt COL4A3 protein function with a negative predictive value of 95%. In summary, the available evidence is currently insufficient to determine the role of this variant in disease. Therefore, it has been classified as a Variant of Uncertain Significance.

Mendelics
Classification: Uncertain significance for Autosomal recessive Alport syndrome. Last evaluated: 2019-05-28. Review status: criteria provided, single submitter. Criteria: Mendelics Assertion Criteria 2017. Collection method: clinical testing. Allele origin: unknown.